The following is an entry in ClinVar:

ClinVar aggregate classification (germline): Uncertain significance (1 of 4 stars; one submission).

Submission:

Labcorp Genetics (formerly Invitae), Labcorp
Classification: Uncertain significance. Last evaluated: 2025-01-23. Review status: criteria provided, single submitter. Criteria: Invitae Variant Classification Sherloc (09022015). Collection method: clinical testing. Allele origin: germline.
Comment: This sequence change affects the initiator methionine of the SMARCD2 mRNA. The next in-frame methionine is located at codon 36. This variant is not present in population databases (gnomAD no frequency). This variant has not been reported in the literature in individuals affected with SMARCD2-related conditions. Experimental studies and prediction algorithms are not available or were not evaluated, and the functional significance of this variant is currently unknown. In summary, the available evidence is currently insufficient to determine the role of this variant in disease. Therefore, it has been classified as a Variant of Uncertain Significance.

NM_001098426.2(SMARCD2):c.3_14del (p.Met1_Gly5delinsIle)

Gene: SMARCD2 (SWI/SNF related BAF chromatin remodeling complex subunit D2; minus strand). Cytogenetic location: 17q23.3.
Variant type: Deletion.
Coding change: c.3_14del on transcript NM_001098426.2 (MANE Select); coding-DNA positions 3 to 14, 12 bases deleted (GTCGGGCCGAGG).
Protein change: p.Met1_Gly5delinsIle.
Molecular consequence: initiator codon variant.
Genome position (GRCh38, 1-based): chr17:63,842,661-63,842,672, CCTCGGCCCGAC deleted on the plus strand (GTCGGGCCGAGG on the coding strand, the reverse complement: SMARCD2 is on the minus strand). VCF-style (leftmost placement, unchanged base first): chr17-63842660-GCCTCGGCCCGAC-G. GRCh37 (hg19) VCF-style: chr17-61920020-GCCTCGGCCCGAC-G.
Identifiers: ClinVar variation 3726030 (VCV003726030.2).
Genomic context (GRCh38, chr17:63,842,660, plus strand): 5'-CAGGGCCGCAGCCACGGCGCCGCCGCCAGGGCTTAGCGGGGGCAGCGGGAACCCGCCCGC[GCCTCGGCCCGAC>G]ATCGCTCCGTCCCGTCCCGCGGTGCCGCGATCCGGACTCCGGGCTCCGCGTCGAGTCCAC-3'